The following is an entry in ClinVar:

NM_021870.3(FGG):c.1015A>G (p.Ser339Gly)

Gene: FGG (fibrinogen gamma chain; minus strand). Cytogenetic location: 4q32.1.
Variant type: single nucleotide variant.
Coding change: c.1015A>G on transcript NM_021870.3 (MANE Select); coding-DNA position 1015, A replaced by G.
Protein change: p.Ser339Gly; replaces serine 339 with glycine.
Molecular consequence: missense variant.
Genome position (GRCh38, 1-based): chr4:154,606,819, T>C on the plus strand (A>G on the coding strand, the complement: FGG is on the minus strand). VCF-style: chr4-154606819-T-C. GRCh37 (hg19) VCF-style: chr4-155527971-T-C.
Other names: c.1015A>G, p.Ser339Gly (NM_000509.6); short protein forms S339G.
Identifiers: ClinVar variation 2691347 (VCV002691347.1), dbSNP rs2530855866, ClinGen allele CA358535789.

ClinVar aggregate classification (germline): Uncertain significance (1 of 4 stars; one submission).

Submission:

Women's Health and Genetics/Laboratory Corporation of America, LabCorp
Classification: Uncertain significance. Last evaluated: 2023-12-19. Review status: criteria provided, single submitter. Criteria: LabCorp Variant Classification Summary - May 2015. Collection method: clinical testing. Allele origin: germline.
Comment: Variant summary: FGG c.1015A>G (p.Ser339Gly) results in a non-conservative amino acid change located in the Fibrinogen-related domains (FReDs) (IPR002181) of the encoded protein sequence. Five of five in-silico tools predict a damaging effect of the variant on protein function. The variant was absent in 251360 control chromosomes. The available data on variant occurrences in the general population are insufficient to allow any conclusion about variant significance. c.1015A>G has been reported in the literature in an individual affected with Congenital Dysfibrinogenemia. This report does not provide unequivocal conclusions about association of the variant with Congenital Dysfibrinogenemia. To our knowledge, no experimental evidence demonstrating an impact on protein function has been reported. The following publication have been ascertained in the context of this evaluation (PMID: 25074738). No submitters have cited clinical-significance assessments for this variant to ClinVar after 2014. Based on the evidence outlined above, the variant was classified as uncertain significance.

Literature cited by the submitters: PubMed 25074738.